The following is an entry in ClinVar:

NM_000102.4(CYP17A1):c.1216T>G (p.Trp406Gly)

Gene: CYP17A1 (cytochrome P450 family 17 subfamily A member 1; minus strand). Cytogenetic location: 10q24.32.
Variant type: single nucleotide variant.
Coding change: c.1216T>G on transcript NM_000102.4 (MANE Select); coding-DNA position 1216, T replaced by G.
Protein change: p.Trp406Gly; replaces tryptophan 406 with glycine.
Molecular consequence: missense variant.
Genome position (GRCh38, 1-based): chr10:102,831,535, A>C on the plus strand (T>G on the coding strand, the complement: CYP17A1 is on the minus strand). VCF-style: chr10-102831535-A-C. GRCh37 (hg19) VCF-style: chr10-104591292-A-C.
Other names: short protein forms W406G.
Identifiers: ClinVar variation 2585193 (VCV002585193.1), dbSNP rs104894143, ClinGen allele CA377938465.

ClinVar aggregate classification (germline): Uncertain significance (1 of 4 stars; one submission).

Conditions:
Deficiency of steroid 17-alpha-monooxygenase. Also called: 17-ALPHA-HYDROXYLASE DEFICIENCY; Congenital adrenal hyperplasia due to 17-alpha-hydroxylase deficiency; Congenital adrenal hyperplasia type 5; ADRENAL HYPERPLASIA V; 17-alpha-hydroxylase/17,20-lyase deficiency. Identifiers: Orphanet 90793, MedGen C0268285, MONDO:0008730, OMIM 202110.

Submission:

Neuberg Centre For Genomic Medicine, NCGM
Classification: Uncertain significance for Deficiency of steroid 17-alpha-monooxygenase. Review status: criteria provided, single submitter. Criteria: ACMG Guidelines, 2015. Collection method: clinical testing. Allele origin: germline. Inheritance: Autosomal recessive inheritance. Affected: yes.
Comment: The missense variant in c.1216T>G(p.Trp406Gly) in CYP17A1 gene has not been reported previously as a pathogenic variant nor as a benign variant, to our knowledge. The p.Trp406Gly variant is novel (not in any individuals) in gnomAD Exomes and 1000 Genomes. The amino acid Asn at position 541 is changed to a Asp changing protein sequence and it might alter its composition and physico-chemical properties. The variant is predicted to be damaging by both SIFT and PolyPhen2. The residue is conserved across species. The amino acid change p.Trp406Gly in CYP17A1 is predicted as conserved by GERP++ and PhyloP across 100 vertebrates. For these reasons, this variant has been classified as Uncertain Significance.